The following is an entry in ClinVar:

NM_002294.3(LAMP2):c.266C>T (p.Ala89Val)

Gene: LAMP2 (lysosome associated membrane protein 2; minus strand). Cytogenetic location: Xq24.
Variant type: single nucleotide variant.
Coding change: c.266C>T on transcript NM_002294.3 (MANE Select); coding-DNA position 266, C replaced by T.
Protein change: p.Ala89Val; replaces alanine 89 with valine.
Molecular consequence: missense variant.
Genome position (GRCh38, 1-based): chrX:120,455,488, G>A on the plus strand (C>T on the coding strand, the complement: LAMP2 is on the minus strand). VCF-style: chrX-120455488-G-A. GRCh37 (hg19) VCF-style: chrX-119589343-G-A.
Other names: c.266C>T, p.Ala89Val (NM_001122606.1, NM_013995.2); short protein forms A89V.
Identifiers: ClinVar variation 3648615 (VCV003648615.2).
Genomic context (GRCh38, chrX:120,455,488, plus strand): 5'-TAAGTAGATGCTGCCTTGGTAAAATTCGCAATCCAGGAAAAGCCAGGTCCGAACTGCACT[G>A]CTATTTTGGGACCATTCTGATCATCCCCACAAATGCTTCCATTATATGTCACAGTGCCAT-3'
Protein context (NP_002285.1, residues 79-99): CGDDQNGPKI[Ala89Val]VQFGPGFSWI

ClinVar aggregate classification (germline): Uncertain significance (1 of 4 stars; one submission).

Conditions:
Danon disease. Also called: ANTOPOL DISEASE; PSEUDOGLYCOGENOSIS II; GSD IIb; LYSOSOMAL GLYCOGEN STORAGE DISEASE WITHOUT ACID MALTASE DEFICIENCY; Glycogen Storage Disease Type IIb. Identifiers: Orphanet 34587, MedGen C0878677, MONDO:0010281, OMIM 300257.

Submission:

Labcorp Genetics (formerly Invitae), Labcorp
Classification: Uncertain significance for Danon disease. Last evaluated: 2025-06-03. Review status: criteria provided, single submitter. Criteria: Invitae Variant Classification Sherloc (09022015). Collection method: clinical testing. Allele origin: germline.
Comment: This sequence change replaces alanine, which is neutral and non-polar, with valine, which is neutral and non-polar, at codon 89 of the LAMP2 protein (p.Ala89Val). This variant is not present in population databases (gnomAD no frequency). This variant has not been reported in the literature in individuals affected with LAMP2-related conditions. ClinVar contains an entry for this variant (Variation ID: 3648615). Invitae Evidence Modeling of protein sequence and biophysical properties (such as structural, functional, and spatial information, amino acid conservation, physicochemical variation, residue mobility, and thermodynamic stability) indicates that this missense variant is not expected to disrupt LAMP2 protein function with a negative predictive value of 80%. In summary, the available evidence is currently insufficient to determine the role of this variant in disease. Therefore, it has been classified as a Variant of Uncertain Significance.